The following is an entry in ClinVar:

NM_022124.6(CDH23):c.115T>G (p.Tyr39Asp)

Gene: CDH23 (cadherin related 23; plus strand). Cytogenetic location: 10q22.1.
Variant type: single nucleotide variant.
Coding change: c.115T>G on transcript NM_022124.6 (MANE Select); coding-DNA position 115, T replaced by G.
Protein change: p.Tyr39Asp; replaces tyrosine 39 with aspartic acid.
Molecular consequence: missense variant.
Genome position (GRCh38, 1-based): chr10:71,446,365, T>G. VCF-style: chr10-71446365-T-G. GRCh37 (hg19) VCF-style: chr10-73206122-T-G.
Other names: c.115T>G, p.Tyr39Asp (NM_001171930.2, NM_001171931.2, NM_001171932.2 and 1 more transcripts); short protein forms Y39D.
Identifiers: ClinVar variation 1714348 (VCV001714348.5), dbSNP rs2492861167, ClinGen allele CA377114732.

ClinVar aggregate classification (germline): Uncertain significance (1 of 4 stars; one submission).

Submission:

Labcorp Genetics (formerly Invitae), Labcorp
Classification: Uncertain significance. Last evaluated: 2025-07-14. Review status: criteria provided, single submitter. Criteria: Invitae Variant Classification Sherloc (09022015). Collection method: clinical testing. Allele origin: germline.
Comment: This sequence change replaces tyrosine, which is neutral and polar, with aspartic acid, which is acidic and polar, at codon 39 of the CDH23 protein (p.Tyr39Asp). This variant is not present in population databases (gnomAD no frequency). This variant has not been reported in the literature in individuals affected with CDH23-related conditions. ClinVar contains an entry for this variant (Variation ID: 1714348). Invitae Evidence Modeling of protein sequence and biophysical properties (such as structural, functional, and spatial information, amino acid conservation, physicochemical variation, residue mobility, and thermodynamic stability) has been performed for this missense variant. However, the output from this modeling did not meet the statistical confidence thresholds required to predict the impact of this variant on CDH23 protein function. In summary, the available evidence is currently insufficient to determine the role of this variant in disease. Therefore, it has been classified as a Variant of Uncertain Significance.